The following is an entry in ClinVar:

ClinVar aggregate classification (germline): Uncertain significance (1 of 4 stars; one submission).

Conditions:
CFAP418-related disorder. Also called: CFAP418-related condition.

gnomAD v4.1: 42 of 1,603,834 alleles (0.0026%); highest among the groups gnomAD compares: Non-Finnish European, 0.0036%; no homozygotes.

Submissions (2):

PreventionGenetics, part of Exact Sciences
Classification: Uncertain significance for CFAP418-related condition. Last evaluated: 2025-02-17. Review status: criteria provided, single submitter. Criteria: ACMG Guidelines, 2015. Collection method: clinical testing. Allele origin: germline.
Comment: The CFAP418 c.317C>A variant is predicted to result in the amino acid substitution p.Pro106Gln. To our knowledge, this variant has not been reported in the literature. This variant is reported in 0.00091% of alleles in individuals of European (Non-Finnish) descent in gnomAD. At this time, the clinical significance of this variant is uncertain due to the absence of conclusive functional and genetic evidence.

Dr. Peter K. Rogan Lab, Western University
No classification provided (evidence only). Condition: Melanoma. Review status: no classification provided. Collection method: in vitro. Allele origin: not applicable. Functional consequence: retained intron. Not counted in ClinVar's aggregate classification.

NM_177965.4(CFAP418):c.317C>A (p.Pro106Gln)

Gene: CFAP418 (cilia and flagella associated protein 418; minus strand). Cytogenetic location: 8q22.1.
Variant type: single nucleotide variant.
Coding change: c.317C>A on transcript NM_177965.4 (MANE Select); coding-DNA position 317, C replaced by A.
Protein change: p.Pro106Gln; replaces proline 106 with glutamine.
Molecular consequence: missense variant.
Genome position (GRCh38, 1-based): chr8:95,259,897, G>T on the plus strand (C>A on the coding strand, the complement: CFAP418 is on the minus strand). VCF-style: chr8-95259897-G-T. GRCh37 (hg19) VCF-style: chr8-96272125-G-T.
Other names: NC_000008.10:g.96272125G>T; c.317C>A, p.Pro106Gln (NM_001363260.1); c.317C>A (NM_177965.3); short protein forms P106Q.
Identifiers: ClinVar variation 4349417 (VCV004349417.2).